The following is an entry in ClinVar:

ClinVar aggregate classification (germline): Uncertain significance. Review status: criteria provided, multiple submitters, no conflicts (2 of 4 stars). 2 submissions from 2 submitters: Uncertain significance (2). Last evaluated 2025-11-18.

Conditions:
Inborn genetic diseases. Identifiers: MedGen C0950123, MeSH D030342.

Allele frequency attached by ClinVar (database versions not stated): gnomAD 0.00003; gnomAD exomes 0.00001; TOPMed 0.00003; ExAC 0.00003.
gnomAD v4.1: 26 of 1,614,146 alleles (0.0016%); highest among the groups gnomAD compares: East Asian, 0.04%; no homozygotes.

Submissions (2):

Labcorp Genetics (formerly Invitae), Labcorp
Classification: Uncertain significance. Last evaluated: 2025-11-18. Review status: criteria provided, single submitter. Criteria: Invitae Variant Classification Sherloc (09022015). Collection method: clinical testing. Allele origin: germline.
Comment: This sequence change replaces lysine, which is basic and polar, with arginine, which is basic and polar, at codon 1115 of the LRP6 protein (p.Lys1115Arg). This variant is present in population databases (rs774000955, gnomAD 0.02%). This variant has not been reported in the literature in individuals affected with LRP6-related conditions. ClinVar contains an entry for this variant (Variation ID: 2371659). Invitae Evidence Modeling of protein sequence and biophysical properties (such as structural, functional, and spatial information, amino acid conservation, physicochemical variation, residue mobility, and thermodynamic stability) indicates that this missense variant is not expected to disrupt LRP6 protein function with a negative predictive value of 80%. In summary, the available evidence is currently insufficient to determine the role of this variant in disease. Therefore, it has been classified as a Variant of Uncertain Significance.

Ambry Genetics
Classification: Uncertain significance for Inborn genetic diseases. Last evaluated: 2021-06-22. Review status: criteria provided, single submitter. Criteria: Ambry Variant Classification Scheme 2023. Collection method: clinical testing. Allele origin: germline.

NM_002336.3(LRP6):c.3344A>G (p.Lys1115Arg)

Gene: LRP6 (LDL receptor related protein 6; minus strand). Cytogenetic location: 12p13.2.
Variant type: single nucleotide variant.
Coding change: c.3344A>G on transcript NM_002336.3 (MANE Select); coding-DNA position 3344, A replaced by G.
Protein change: p.Lys1115Arg; replaces lysine 1115 with arginine.
Molecular consequence: missense variant.
Genome position (GRCh38, 1-based): chr12:12,147,419, T>C on the plus strand (A>G on the coding strand, the complement: LRP6 is on the minus strand). VCF-style: chr12-12147419-T-C. GRCh37 (hg19) VCF-style: chr12-12300353-T-C.
Other names: c.3344A>G, p.Lys1115Arg (NM_001414244.1, NM_001414245.1, NM_001414246.1 and 4 more transcripts); c.3146A>G, p.Lys1049Arg (NM_001414247.1); c.2891A>G, p.Lys964Arg (NM_001414252.1, NM_001414253.1, NM_001414254.1); c.2837A>G, p.Lys946Arg (NM_001414255.1); short protein forms K1049R, K964R, K1115R, K946R.
Identifiers: ClinVar variation 2371659 (VCV002371659.4), dbSNP rs774000955, ClinGen allele CA6455271.